The following is an entry in ClinVar:

NM_002693.3(POLG):c.889A>G (p.Met297Val)

Gene: POLG (DNA polymerase gamma, catalytic subunit; minus strand). Cytogenetic location: 15q26.1.
Variant type: single nucleotide variant.
Coding change: c.889A>G on transcript NM_002693.3 (MANE Select); coding-DNA position 889, A replaced by G.
Protein change: p.Met297Val; replaces methionine 297 with valine.
Molecular consequence: missense variant.
Genome position (GRCh38, 1-based): chr15:89,329,077, T>C on the plus strand (A>G on the coding strand, the complement: POLG is on the minus strand). VCF-style: chr15-89329077-T-C. GRCh37 (hg19) VCF-style: chr15-89872308-T-C.
Other names: c.889A>G, p.Met297Val (NM_001126131.2); short protein forms M297V.
Identifiers: ClinVar variation 3668061 (VCV003668061.3).
Genomic context (GRCh38, chr15:89,329,077, plus strand): 5'-GCTTGGCTGCTATCCACAGACTGCGCTGGAAGCTGCTTAGCCCTGAGATGGCCATGTGCA[T>C]GCTCATGGTGTCCAGGAAACGCATGCGGGAACCCTGAGGAGGAGGAGGAGAAAAGGGAAG-3'
Protein context (NP_002684.1, residues 287-307): SRMRFLDTMS[Met297Val]HMAISGLSSF

ClinVar aggregate classification (germline): Uncertain significance. Review status: criteria provided, multiple submitters, no conflicts (2 of 4 stars). 2 submissions from 2 submitters: Uncertain significance (2). Last evaluated 2026-08-13.

Conditions:
Progressive sclerosing poliodystrophy (MTDPS4A). Also called: ALPERS DIFFUSE DEGENERATION OF CEREBRAL GRAY MATTER WITH HEPATIC CIRRHOSIS; Alpers-Huttenlocher Syndrome; ALPERS PROGRESSIVE INFANTILE POLIODYSTROPHY; NEURONAL DEGENERATION OF CHILDHOOD WITH LIVER DISEASE, PROGRESSIVE; Alpers Syndrome; Mitochondrial DNA depletion syndrome 4A (Alpers type). Identifiers: Orphanet 726, MedGen C0205710, MONDO:0008758, OMIM 203700.
Inborn genetic diseases. Identifiers: MedGen C0950123, MeSH D030342.

gnomAD v4.1: 3 of 1,612,678 alleles (0.00019%); highest among the groups gnomAD compares: African/African-American, 0.004%; no homozygotes.

Submissions (2):

Ambry Genetics
Classification: Uncertain significance for Inborn genetic diseases. Last evaluated: 2026-08-13. Review status: criteria provided, single submitter. Criteria: Ambry Variant Classification Scheme 2023. Collection method: clinical testing. Allele origin: germline.

Labcorp Genetics (formerly Invitae), Labcorp
Classification: Uncertain significance for Progressive sclerosing poliodystrophy. Last evaluated: 2024-02-22. Review status: criteria provided, single submitter. Criteria: Invitae Variant Classification Sherloc (09022015). Collection method: clinical testing. Allele origin: germline.
Comment: This sequence change replaces methionine, which is neutral and non-polar, with valine, which is neutral and non-polar, at codon 297 of the POLG protein (p.Met297Val). This variant is not present in population databases (gnomAD no frequency). This variant has not been reported in the literature in individuals affected with POLG-related conditions. Advanced modeling of protein sequence and biophysical properties (such as structural, functional, and spatial information, amino acid conservation, physicochemical variation, residue mobility, and thermodynamic stability) performed at Invitae indicates that this missense variant is not expected to disrupt POLG protein function with a negative predictive value of 95%. In summary, the available evidence is currently insufficient to determine the role of this variant in disease. Therefore, it has been classified as a Variant of Uncertain Significance.